The following is an entry in ClinVar:

NM_002890.3(RASA1):c.3092A>G (p.Glu1031Gly)

Genes: CCNH (cyclin H; minus strand), RASA1 (RAS p21 protein activator 1; plus strand). Cytogenetic location: 5q14.3.
Variant type: single nucleotide variant.
Coding change: c.3092A>G on transcript NM_002890.3 (MANE Select); coding-DNA position 3092, A replaced by G.
Protein change: p.Glu1031Gly; replaces glutamic acid 1031 with glycine.
Molecular consequence: missense variant. On other transcripts: 3 prime UTR variant (2), non-coding transcript variant (1), intron variant (1).
Genome position (GRCh38, 1-based): chr5:87,390,831, A>G. VCF-style: chr5-87390831-A-G. GRCh37 (hg19) VCF-style: chr5-86686648-A-G.
Other names: c.2561A>G, p.Glu854Gly (NM_022650.3); c.*2029T>C (NM_001363539.2, NM_001364076.2); c.933+4213T>C (NM_001364075.2); short protein forms E1031G, E854G.
Identifiers: ClinVar variation 4150721 (VCV004150721.1).

ClinVar aggregate classification (germline): Uncertain significance (1 of 4 stars; one submission).

Conditions:
Cardiovascular phenotype. Identifiers: MedGen CN230736.

Submission:

Ambry Genetics
Classification: Uncertain significance for Cardiovascular phenotype. Last evaluated: 2025-08-12. Review status: criteria provided, single submitter. Criteria: Ambry Variant Classification Scheme 2023. Collection method: clinical testing. Allele origin: germline.
Comment: The p.E1031G variant (also known as c.3092A>G), located in coding exon 25 of the RASA1 gene, results from an A to G substitution at nucleotide position 3092. The glutamic acid at codon 1031 is replaced by glycine, an amino acid with similar properties. This amino acid position is conserved. In addition, the in silico prediction for this alteration is inconclusive. Based on the available evidence, the clinical significance of this variant remains unclear.